The following is an entry in ClinVar:

ClinVar aggregate classification (germline): Conflicting classifications of pathogenicity. Review status: criteria provided, conflicting classifications (1 of 4 stars). 10 submissions from 10 submitters: Uncertain significance (9); Likely benign (1). Last evaluated 2026-01-25.

Conditions:
Lynch syndrome 5 (LYNCH5). Also called: Hereditary non-polyposis colorectal cancer, type 5; Colorectal cancer, hereditary nonpolyposis, type 5. Identifiers: Orphanet 144, MedGen C1833477, MONDO:0013710, OMIM 614350. Disease mechanism: loss of function.
Endometrial carcinoma. Also called: Endometrial carcinoma, somatic. Identifiers: MedGen C0476089, MONDO:0002447, OMIM 608089, HP:0012114.
Mismatch repair cancer syndrome 3. Identifiers: MedGen C5436807, MONDO:0030841, OMIM 619097.
Hereditary nonpolyposis colorectal neoplasms. Identifiers: MedGen C0009405, MeSH D003123.
Hereditary cancer-predisposing syndrome. Also called: Hereditary neoplastic syndrome; Hereditary Cancer Syndrome; Neoplastic Syndromes, Hereditary; Tumor predisposition. Identifiers: Orphanet 140162, MedGen C0027672, MeSH D009386, MONDO:0015356.
Lynch syndrome. Identifiers: Orphanet 144, MedGen C4552100, MONDO:0005835. Disease mechanism: loss of function.

Allele frequency attached by ClinVar (database versions not stated): gnomAD exomes 0.00002; ExAC 0.00003.
gnomAD v4.1: 35 of 1,611,910 alleles (0.0022%); highest among the groups gnomAD compares: Non-Finnish European, 0.003%; no homozygotes.

Submissions (10):

Labcorp Genetics (formerly Invitae), Labcorp
Classification: Likely benign for Hereditary nonpolyposis colorectal neoplasms. Last evaluated: 2026-01-25. Review status: criteria provided, single submitter. Criteria: Invitae Variant Classification Sherloc (09022015). Collection method: clinical testing. Allele origin: germline.

Ambry Genetics
Classification: Uncertain significance for Hereditary cancer-predisposing syndrome. Last evaluated: 2025-06-24. Review status: criteria provided, single submitter. Criteria: Ambry Variant Classification Scheme 2023. Collection method: clinical testing. Allele origin: germline.
Comment: The p.N1327H variant (also known as c.3979A>C), located in coding exon 9 of the MSH6 gene, results from an A to C substitution at nucleotide position 3979. The asparagine at codon 1327 is replaced by histidine, an amino acid with similar properties. This amino acid position is poorly conserved in available vertebrate species. In addition, the in silico prediction for this alteration is inconclusive. Based on the available evidence, the clinical significance of this variant remains unclear.

Quest Diagnostics Nichols Institute San Juan Capistrano
Classification: Uncertain significance. Last evaluated: 2025-02-10. Review status: criteria provided, single submitter. Criteria: Quest Diagnostics criteria. Collection method: clinical testing. Allele origin: unknown.
Comment: The MSH6 c.3979A>C (p.Asn1327His) variant has been reported in the published literature in individuals with breast cancer and reportedly healthy individuals (PMIDs: 32459922 (2020) and 33471991 (2021), see also LOVD). The frequency of this variant in the general population (Genome Aggregation Database) is uninformative in the assessment of its pathogenicity. Analysis of this variant using bioinformatics tools for the prediction of the effect of amino acid changes on protein structure and function yielded predictions that this variant is benign. Based on the available information, we are unable to determine the clinical significance of this variant.

GeneDx
Classification: Uncertain significance. Last evaluated: 2024-11-26. Review status: criteria provided, single submitter. Criteria: GeneDx Variant Classification Process June 2021. Collection method: clinical testing. Allele origin: germline. Affected: yes.
Comment: Not observed at significant frequency in large population cohorts (gnomAD); In silico analysis indicates that this missense variant does not alter protein structure/function; Has not been previously published as pathogenic or benign to our knowledge; This variant is associated with the following publications: (PMID: 30787465, 17531815, 21120944, 12019211)

Institute for Biomarker Research, Medical Diagnostic Laboratories, L.L.C.
Classification: Uncertain significance for Hereditary cancer-predisposing syndrome. Last evaluated: 2024-03-19. Review status: criteria provided, single submitter. Criteria: ACMG Guidelines, 2015. Collection method: clinical testing. Allele origin: germline.

All of Us Research Program, National Institutes of Health
Classification: Uncertain significance for Lynch syndrome. Last evaluated: 2024-02-05. Review status: criteria provided, single submitter. Criteria: ACMG Guidelines, 2015. Collection method: clinical testing. Allele origin: germline. Inheritance: Autosomal dominant inheritance. Observed: 3 variant alleles, 3 heterozygotes.
Comment: This missense variant replaces asparagine with histidine at codon 1327 of the MSH6 protein. Computational prediction suggests that this variant may not impact protein structure and function (internally defined REVEL score threshold <= 0.5, PMID: 27666373). To our knowledge, functional studies have not been reported for this variant. This variant has not been reported in individuals affected with MSH6-related disorders in the literature. This variant has been identified in 4/247058 chromosomes in the general population by the Genome Aggregation Database (gnomAD). The available evidence is insufficient to determine the role of this variant in disease conclusively. Therefore, this variant is classified as a Variant of Uncertain Significance.

This study involves interpretation of variants in research participants for the purpose of population health screening. Participant phenotype was not available at the time of variant classification. Additional details can be found in publication PMID: 35346344, PMCID: PMC8962531

Color Diagnostics, LLC DBA Color Health
Classification: Uncertain significance for Hereditary cancer-predisposing syndrome. Last evaluated: 2024-01-29. Review status: criteria provided, single submitter. Criteria: ACMG Guidelines, 2015. Collection method: clinical testing. Allele origin: germline.
Comment: This missense variant replaces asparagine with histidine at codon 1327 of the MSH6 protein. Computational prediction suggests that this variant may not impact protein structure and function (internally defined REVEL score threshold <= 0.5, PMID: 27666373). To our knowledge, functional studies have not been reported for this variant. This variant has not been reported in individuals affected with MSH6-related disorders in the literature. This variant has been identified in 4/247058 chromosomes in the general population by the Genome Aggregation Database (gnomAD). The available evidence is insufficient to determine the role of this variant in disease conclusively. Therefore, this variant is classified as a Variant of Uncertain Significance.

Baylor Genetics
Classification: Uncertain significance for Endometrial carcinoma. Last evaluated: 2024-01-15. Review status: criteria provided, single submitter. Criteria: ACMG Guidelines, 2015. Collection method: clinical testing. Allele origin: unknown.

Department of Pathology and Laboratory Medicine, Sinai Health System
Classification: Uncertain significance for Endometrial carcinoma; Lynch syndrome 5; Mismatch repair cancer syndrome 3. Last evaluated: 2023-05-29. Review status: criteria provided, single submitter. Criteria: ACMG Guidelines, 2015. Collection method: clinical testing. Allele origin: germline. Affected: yes.

Women's Health and Genetics/Laboratory Corporation of America, LabCorp
Classification: Uncertain significance. Last evaluated: 2020-06-29. Review status: criteria provided, single submitter. Criteria: LabCorp Variant Classification Summary - May 2015. Collection method: clinical testing. Allele origin: germline.
Comment: Variant summary: MSH6 c.3979A>C (p.Asn1327His) results in a conservative amino acid change in the encoded protein sequence. Four of five in-silico tools predict a benign effect of the variant on protein function. The variant allele was found at a frequency of 1.6e-05 in 247058 control chromosomes (gnomAD). The available data on variant occurrences in the general population are insufficient to allow any conclusion about variant significance. To our knowledge, no occurrence of c.3979A>C in individuals affected with Lynch Syndrome and no experimental evidence demonstrating its impact on protein function have been reported. Four ClinVar submitters (evaluation after 2014) cite the variant as uncertain significance. Based on the evidence outlined above, the variant was classified as uncertain significance.

Literature cited by the submitters: PubMed 33471991 (cited by Quest Diagnostics Nichols Institute San Juan Capistrano); PubMed 32459922 (cited by Quest Diagnostics Nichols Institute San Juan Capistrano).

NM_000179.3(MSH6):c.3979A>C (p.Asn1327His)

Gene: MSH6 (mutS homolog 6; plus strand). Cytogenetic location: 2p16.3.
Variant type: single nucleotide variant.
Coding change: c.3979A>C on transcript NM_000179.3 (MANE Select); coding-DNA position 3979, A replaced by C.
Protein change: p.Asn1327His; replaces asparagine 1327 with histidine.
Molecular consequence: missense variant.
Genome position (GRCh38, 1-based): chr2:47,806,629, A>C. VCF-style: chr2-47806629-A-C. GRCh37 (hg19) VCF-style: chr2-48033768-A-C.
Other names: c.3589A>C, p.Asn1197His (NM_001281492.2); c.3073A>C, p.Asn1025His (NM_001281493.2, NM_001281494.2); short protein forms N1327H, N1025H, N1197H.
Identifiers: ClinVar variation 234450 (VCV000234450.31), dbSNP rs756216566, ClinGen allele CA072425.
Genomic context (GRCh38, chr2:47,806,629, plus strand): 5'-AATCTCCCAGAGGAAGTTATTCAAAAGGGACATAGAAAAGCAAGAGAATTTGAGAAGATG[A>C]ATCAGTCACTACGATTATTTCGGTAACTAACTAACTATAATGGAATTATAACTAACTGAC-3'
Protein context (NP_000170.1, residues 1317-1337): HRKAREFEKM[Asn1327His]QSLRLFREVC